The following is an entry in ClinVar:

ClinVar aggregate classification (germline): Conflicting classifications of pathogenicity. Review status: criteria provided, conflicting classifications (1 of 4 stars). 3 submissions from 3 submitters: Uncertain significance (1); Likely benign (1). 1 of the submissions does not count toward it. Last evaluated 2025-12-05.

Conditions:
FOCAD-related disorder. Also called: FOCAD-related condition.
Inborn genetic diseases. Identifiers: MedGen C0950123, MeSH D030342.

Allele frequency attached by ClinVar (database versions not stated): gnomAD exomes 0.00016; gnomAD 0.00103; ESP Exome Variant Server 0.00108; TOPMed 0.00110; ExAC 0.00040; 1000 Genomes Project 30x 0.00109; 1000 Genomes Project 0.00100.
gnomAD v4.1: 404 of 1,613,508 alleles (0.025%); highest among the groups gnomAD compares: African/African-American, 0.31%; no homozygotes.

Submissions (3):

Labcorp Genetics (formerly Invitae), Labcorp
Classification: Likely benign. Last evaluated: 2025-12-05. Review status: criteria provided, single submitter. Criteria: Invitae Variant Classification Sherloc (09022015). Collection method: clinical testing. Allele origin: germline.

Ambry Genetics
Classification: Uncertain significance for Inborn genetic diseases. Last evaluated: 2024-05-14. Review status: criteria provided, single submitter. Criteria: Ambry Variant Classification Scheme 2023. Collection method: clinical testing. Allele origin: germline.

PreventionGenetics, part of Exact Sciences
Classification: Likely benign for FOCAD-related condition. Last evaluated: 2024-05-20. Review status: no assertion criteria provided. Collection method: clinical testing. Allele origin: germline. Not counted in ClinVar's aggregate classification.
Comment: This variant is classified as likely benign based on ACMG/AMP sequence variant interpretation guidelines (Richards et al. 2015 PMID: 25741868, with internal and published modifications).

NM_001375567.1(FOCAD):c.3584G>A (p.Cys1195Tyr)

Gene: FOCAD (focadhesin; plus strand). Cytogenetic location: 9p21.3.
Variant type: single nucleotide variant.
Coding change: c.3584G>A on transcript NM_001375567.1 (MANE Select); coding-DNA position 3584, G replaced by A.
Protein change: p.Cys1195Tyr; replaces cysteine 1195 with tyrosine.
Molecular consequence: missense variant.
Genome position (GRCh38, 1-based): chr9:20,946,729, G>A. VCF-style: chr9-20946729-G-A. GRCh37 (hg19) VCF-style: chr9-20946728-G-A.
Other names: c.3584G>A (NM_017794.4, NM_017794.3); c.3479G>A, p.Cys1160Tyr (NM_001375568.1, NM_001375570.1); c.3584G>A, p.Cys1195Tyr (NM_017794.5); short protein forms C1195Y, C1160Y.
Identifiers: ClinVar variation 2758273 (VCV002758273.6), dbSNP rs148685443, ClinGen allele CA5007618.